The following is an entry in ClinVar:

ClinVar aggregate classification (germline): Uncertain significance (1 of 4 stars; one submission).

Conditions:
ABCB11-related disorder. Also called: ABCB11-related condition.

gnomAD v4.1: 17 of 1,612,350 alleles (0.0011%); highest among the groups gnomAD compares: Admixed American, 0.0017%; no homozygotes.

Submission:

PreventionGenetics, part of Exact Sciences
Classification: Uncertain significance for ABCB11-related condition. Last evaluated: 2026-04-10. Review status: criteria provided, single submitter. Criteria: ACMG Guidelines, 2015. Collection method: clinical testing. Allele origin: germline.
Comment: The ABCB11 c.1857G>A variant is not predicted to result in an amino acid change (p.=). This variant is predicted to impact splicing based on a splicing prediction program (SpliceAI, Jaganathan K, et al. 2019. PubMed ID: 30661751). To our knowledge, this variant has not been reported in the literature. This variant is reported in 0.00089% of alleles in individuals of European (Non-Finnish) descent in gnomAD. At this time, the clinical significance of this variant is uncertain due to the absence of conclusive functional and genetic evidence.

NM_003742.4(ABCB11):c.1857G>A (p.Thr619=)

Gene: ABCB11 (ATP binding cassette subfamily B member 11; minus strand). Cytogenetic location: 2q31.1.
Variant type: single nucleotide variant.
Coding change: c.1857G>A on transcript NM_003742.4 (MANE Select); coding-DNA position 1857, G replaced by A.
Protein change: p.Thr619=; no amino-acid change (threonine 619 retained).
Molecular consequence: synonymous variant.
Genome position (GRCh38, 1-based): chr2:168,969,504, C>T on the plus strand (G>A on the coding strand, the complement: ABCB11 is on the minus strand). VCF-style: chr2-168969504-C-T. GRCh37 (hg19) VCF-style: chr2-169826014-C-T.
Identifiers: ClinVar variation 4978676 (VCV004978676.1).
Genomic context (GRCh38, chr2:168,969,504, plus strand): 5'-GGTCCCTCTTTCCACTGCAGTGCCATGTTCAAAACCAATGATGGTATCTGCAGCTCTGAC[C>T]GTAGACAAGCGATGAGCAACTGAAATGATTGTGTGCCCATGCTGAATCTGTAAGAATGTA-3'
Protein context (NP_003733.2, residues 609-629): TIISVAHRLS[Thr619=]VRAADTIIGF